The following is an entry in ClinVar:

ClinVar aggregate classification (germline): Uncertain significance (1 of 4 stars; one submission).

gnomAD v4.1: 3 of 1,613,632 alleles (0.00019%); highest among the groups gnomAD compares: African/African-American, 0.004%; no homozygotes.

Submission:

GeneDx
Classification: Uncertain significance. Last evaluated: 2025-04-28. Review status: criteria provided, single submitter. Criteria: GeneDx Variant Classification Process June 2021. Collection method: clinical testing. Allele origin: germline. Affected: yes.
Comment: Not observed at significant frequency in large population cohorts (gnomAD); In silico analysis indicates that this missense variant does not alter protein structure/function; Has not been previously published as pathogenic or benign to our knowledge

NM_001367561.1(DOCK7):c.3433G>T (p.Ala1145Ser)

Gene: DOCK7 (dedicator of cytokinesis 7; minus strand). Cytogenetic location: 1p31.3.
Variant type: single nucleotide variant.
Coding change: c.3433G>T on transcript NM_001367561.1 (MANE Select); coding-DNA position 3433, G replaced by T.
Protein change: p.Ala1145Ser; replaces alanine 1145 with serine.
Molecular consequence: missense variant.
Genome position (GRCh38, 1-based): chr1:62,537,929, C>A on the plus strand (G>T on the coding strand, the complement: DOCK7 is on the minus strand). VCF-style: chr1-62537929-C-A. GRCh37 (hg19) VCF-style: chr1-63003600-C-A.
Other names: c.3433G>T, p.Ala1145Ser (NM_001271999.2, NM_001330614.2); c.3340G>T, p.Ala1114Ser (NM_001272000.2, NM_001272001.2, NM_033407.4); short protein forms A1114S, A1145S.
Identifiers: ClinVar variation 4527398 (VCV004527398.1).
Genomic context (GRCh38, chr1:62,537,929, plus strand): 5'-TATATTCACACAATTTGCATACCTGAGATGTTGCAGAAGAAACAGAAGGTGATGGAGATG[C>A]AGGTGGAGTAAGTAAGCTGCAGGGTAAGTTTAATGTAACATAGTGCTCATGACTGCAGAT-3'
Protein context (NP_001354490.1, residues 1135-1155): NLPCSLLTPP[Ala1145Ser]SPSPSVSSAT